The following is an entry in ClinVar:

ClinVar aggregate classification (germline): Pathogenic. Review status: criteria provided, multiple submitters, no conflicts (2 of 4 stars). 2 submissions from 2 submitters: Pathogenic (2). Last evaluated 2026-04-28.

Conditions:
X-linked lymphoproliferative syndrome. Also called: X-Linked Lymphoproliferative Disease. Identifiers: Orphanet 2442, MedGen C0549463, MONDO:0010627.
X-linked lymphoproliferative disease due to SH2D1A deficiency (XLP1). Also called: EBV infection severe susceptibility to; Epstein Barr virus infection familial fatal; Duncan's syndrome; DUNCAN DISEASE; IMMUNODEFICIENCY 5; IMMUNODEFICIENCY, X-LINKED PROGRESSIVE COMBINED VARIABLE. Identifiers: Orphanet 2442, Orphanet 538931, MedGen C5399825, MONDO:0024551, OMIM 308240.

Allele frequency attached by ClinVar (database versions not stated): ExAC 0.00001.

Submissions (2):

Women's Health and Genetics/Laboratory Corporation of America, LabCorp
Classification: Pathogenic for X-linked lymphoproliferative syndrome. Last evaluated: 2026-04-28. Review status: criteria provided, single submitter. Criteria: LabCorp Variant Classification Summary - May 2015. Collection method: clinical testing. Allele origin: germline.
Comment: Variant summary: SH2D1A c.191G>A (p.Trp64X) results in a premature termination codon, predicted to cause a truncation of the encoded protein or absence of the protein due to nonsense mediated decay, which are commonly known mechanisms for disease. The variant was absent in 183257 control chromosomes. c.191G>A has been observed in individual(s) affected with X-Linked Lymphoproliferative Disease (e.g. Sumegi_2000). These data indicate that the variant is likely to be associated with disease. To our knowledge, no experimental evidence demonstrating an impact on protein function has been reported. The following publications have been ascertained in the context of this evaluation (PMID: 15632210, 11049992). ClinVar contains an entry for this variant (Variation ID: 1458979). Based on the evidence outlined above, the variant was classified as pathogenic.

Labcorp Genetics (formerly Invitae), Labcorp
Classification: Pathogenic for X-linked lymphoproliferative disease due to SH2D1A deficiency. Last evaluated: 2021-11-15. Review status: criteria provided, single submitter. Criteria: Invitae Variant Classification Sherloc (09022015). Collection method: clinical testing. Allele origin: germline.
Comment: This sequence change creates a premature translational stop signal (p.Trp64*) in the SH2D1A gene. It is expected to result in an absent or disrupted protein product. Loss-of-function variants in SH2D1A are known to be pathogenic (PMID: 9771704, 11049992, 15711562). For these reasons, this variant has been classified as Pathogenic. This premature translational stop signal has been observed in individual(s) with X-linked lymphoproliferative syndrome (PMID: 11049992, 33329693). This variant is present in population databases (rs746035909, gnomAD 0.001%).

Literature cited by the submitters: PubMed 14583885 (cited by Women's Health and Genetics/Laboratory Corporation of America, LabCorp); PubMed 15661030 (cited by Women's Health and Genetics/Laboratory Corporation of America, LabCorp); PubMed 11213803 (cited by Women's Health and Genetics/Laboratory Corporation of America, LabCorp); PubMed 15632210 (cited by Women's Health and Genetics/Laboratory Corporation of America, LabCorp); PubMed 11049992 (cited by Women's Health and Genetics/Laboratory Corporation of America, LabCorp and Labcorp Genetics (formerly Invitae), Labcorp); PubMed 9771704 (cited by Labcorp Genetics (formerly Invitae), Labcorp); PubMed 15711562 (cited by Labcorp Genetics (formerly Invitae), Labcorp); PubMed 33329693 (cited by Labcorp Genetics (formerly Invitae), Labcorp).

NM_002351.5(SH2D1A):c.191G>A (p.Trp64Ter)

Gene: SH2D1A (SH2 domain containing 1A; plus strand). Cytogenetic location: Xq25.
Variant type: single nucleotide variant.
Coding change: c.191G>A on transcript NM_002351.5 (MANE Select); coding-DNA position 191, G replaced by A.
Protein change: p.Trp64Ter; replaces tryptophan 64 with a stop codon.
Molecular consequence: nonsense.
Genome position (GRCh38, 1-based): chrX:124,365,814, G>A. VCF-style: chrX-124365814-G-A. GRCh37 (hg19) VCF-style: chrX-123499664-G-A.
Other names: c.191G>A, p.Trp64Ter (NM_001114937.3); short protein forms W64*.
Identifiers: ClinVar variation 1458979 (VCV001458979.7), dbSNP rs746035909, ClinGen allele CA10509271.